The following is an entry in ClinVar:

ClinVar aggregate classification (germline): Benign. Review status: criteria provided, multiple submitters, no conflicts (2 of 4 stars). 2 submissions from 2 submitters: Benign (2). Last evaluated 2016-03-29.

Allele frequency attached by ClinVar (database versions not stated): ESP Exome Variant Server 0.19329; gnomAD 0.21512 and 0.22418; TOPMed 0.21556; 1000 Genomes Project 30x 0.27108; 1000 Genomes Project 0.27736; gnomAD exomes 0.27787; ExAC 0.29934.
gnomAD v4.1: 355,420 of 1,527,738 alleles (23%); highest among the groups gnomAD compares: East Asian, 42%; 45,039 homozygotes.

Submissions (2):

Laboratory for Molecular Medicine, Mass General Brigham Personalized Medicine
Classification: Benign. Last evaluated: 2016-03-29. Review status: criteria provided, single submitter. Criteria: LMM Criteria. Collection method: clinical testing. Allele origin: germline.
Comment: Variant identified in a genome or exome case(s) and assessed due to predicted null impact of the variant or pathogenic assertions in the literature or databases. Disclaimer: This variant has not undergone full assessment. The following are preliminary notes: Frequency

Breakthrough Genomics
Classification: Benign. Review status: criteria provided, single submitter. Criteria: ACMG Guidelines, 2015. Collection method: not provided. Allele origin: germline. Inheritance: Unknown mechanism. Affected: yes.

NM_001366028.2(DNAH12):c.9639G>C (p.Leu3213=)

Gene: DNAH12 (dynein axonemal heavy chain 12; minus strand). Cytogenetic location: 3p14.3.
Variant type: single nucleotide variant.
Coding change: c.9639G>C on transcript NM_001366028.2 (MANE Select); coding-DNA position 9639, G replaced by C.
Protein change: p.Leu3213=; no amino-acid change (leucine 3213 retained).
Molecular consequence: synonymous variant.
Genome position (GRCh38, 1-based): chr3:57,352,120, C>G on the plus strand (G>C on the coding strand, the complement: DNAH12 is on the minus strand). VCF-style: chr3-57352120-C-G. GRCh37 (hg19) VCF-style: chr3-57386148-C-G.
Identifiers: ClinVar variation 402631 (VCV000402631.5), dbSNP rs12053975, ClinGen allele CA2464662.